The following is an entry in ClinVar:

NM_017934.7(PHIP):c.4206+5A>G

Genes: IRAK1BP1 (interleukin 1 receptor associated kinase 1 binding protein 1; plus strand), PHIP (PHIP subunit of CUL4-Ring ligase complex; minus strand). Cytogenetic location: 6q14.1.
Variant type: single nucleotide variant.
Coding change: c.4206+5A>G on transcript NM_017934.7 (MANE Select); 5 bases into the intron after coding-DNA position 4206, A replaced by G.
Molecular consequence: intron variant.
Genome position (GRCh38, 1-based): chr6:78,947,618, T>C on the plus strand (A>G on the coding strand, the complement: PHIP is on the minus strand). VCF-style: chr6-78947618-T-C. GRCh37 (hg19) VCF-style: chr6-79657335-T-C.
Other names: c.4206+5A>G (NM_017934.6).
Identifiers: ClinVar variation 2167856 (VCV002167856.5), dbSNP rs950246223, ClinGen allele CA141845396.

ClinVar aggregate classification (germline): Uncertain significance. Review status: criteria provided, multiple submitters, no conflicts (2 of 4 stars). 2 submissions from 2 submitters: Uncertain significance (2). Last evaluated 2024-07-08.

Conditions:
PHIP-related disorder. Also called: PHIP-related condition; PHIP-related disorders.

Allele frequency attached by ClinVar (database versions not stated): gnomAD exomes below 0.00001; gnomAD 0.00001; TOPMed 0.00001.
gnomAD v4.1: 4 of 1,316,992 alleles (0.0003%); highest among the groups gnomAD compares: South Asian, 0.0038%; no homozygotes.

Submissions (2):

Labcorp Genetics (formerly Invitae), Labcorp
Classification: Uncertain significance. Last evaluated: 2024-07-08. Review status: criteria provided, single submitter. Criteria: Invitae Variant Classification Sherloc (09022015). Collection method: clinical testing. Allele origin: germline.
Comment: This sequence change falls in intron 36 of the PHIP gene. It does not directly change the encoded amino acid sequence of the PHIP protein. It affects a nucleotide within the consensus splice site. This variant is present in population databases (no rsID available, gnomAD 0.004%). This variant has not been reported in the literature in individuals affected with PHIP-related conditions. ClinVar contains an entry for this variant (Variation ID: 2167856). Variants that disrupt the consensus splice site are a relatively common cause of aberrant splicing (PMID: 17576681, 9536098). Algorithms developed to predict the effect of sequence changes on RNA splicing suggest that this variant is not likely to affect RNA splicing. In summary, the available evidence is currently insufficient to determine the role of this variant in disease. Therefore, it has been classified as a Variant of Uncertain Significance.

PreventionGenetics, part of Exact Sciences
Classification: Uncertain significance for PHIP-related condition. Last evaluated: 2022-11-08. Review status: criteria provided, single submitter. Criteria: ACMG Guidelines, 2015. Collection method: clinical testing. Allele origin: germline.
Comment: The PHIP c.4206+5A>G variant is predicted to interfere with splicing. To our knowledge, this variant has not been reported in the literature. This variant is reported in 0.0040% of alleles in individuals of South Asian descent in gnomAD. At this time, the clinical significance of this variant is uncertain due to the absence of conclusive functional and genetic evidence.

Literature cited by the submitters: PubMed 17576681 (cited by Labcorp Genetics (formerly Invitae), Labcorp); PubMed 9536098 (cited by Labcorp Genetics (formerly Invitae), Labcorp).